The following is an entry in ClinVar:

NM_001378454.1(ALMS1):c.2646dup (p.Glu883fs)

Gene: ALMS1 (ALMS1 centrosome and basal body associated protein; plus strand). Cytogenetic location: 2p13.1.
Variant type: Duplication.
Coding change: c.2646dup on transcript NM_001378454.1 (MANE Select); coding-DNA position 2646, one base duplicated (A; older notation c.2646dupA).
Protein change: p.Glu883fs; shifts the reading frame from glutamic acid 883.
Molecular consequence: frameshift variant.
Genome position (GRCh38, 1-based): chr2:73,449,173, A duplicated; the last of 2 consecutive A bases (chr2:73,449,172-73,449,173); duplicating either gives the same sequence. VCF-style (leftmost placement, unchanged base first): chr2-73449171-G-GA. GRCh37 (hg19) VCF-style: chr2-73676298-G-GA.
Other names: c.2649dup, p.Glu884fs (NM_015120.4); short protein forms E883fs, E884fs.
Identifiers: ClinVar variation 4815777 (VCV004815777.1).

ClinVar aggregate classification (germline): Likely pathogenic (1 of 4 stars; one submission).

Conditions:
Alstrom syndrome (ALMS). Identifiers: Orphanet 64, MedGen C0268425, MONDO:0008763, OMIM 203800.

Submission:

Natera, Inc.
Classification: Likely pathogenic for Alstrom syndrome. Last evaluated: 2025-10-13. Review status: criteria provided, single submitter. Criteria: Natera Variant Classification Schema (03/2026). Collection method: clinical testing. Allele origin: germline.
Comment: The c.2649dup variant in ALMS1 is a frameshift variant predicted to shift the reading frame beginning at codon 884 and leads to a stop codon 13 codons downstream. This variant is expected to result in nonsense mediated decay, truncation, or a dysfunctional protein product. This variant is rare in the general population with a frequency below the threshold expected for the associated phenotype(s). Given the available evidence, this variant is classified as Likely Pathogenic.